The following is an entry in ClinVar:

NM_001363711.2(DUOX2):c.533G>T (p.Trp178Leu)

Gene: DUOX2 (dual oxidase 2; minus strand). Cytogenetic location: 15q21.1.
Variant type: single nucleotide variant.
Coding change: c.533G>T on transcript NM_001363711.2 (MANE Select); coding-DNA position 533, G replaced by T.
Protein change: p.Trp178Leu; replaces tryptophan 178 with leucine.
Molecular consequence: missense variant.
Genome position (GRCh38, 1-based): chr15:45,111,566, C>A on the plus strand (G>T on the coding strand, the complement: DUOX2 is on the minus strand). VCF-style: chr15-45111566-C-A. GRCh37 (hg19) VCF-style: chr15-45403764-C-A.
Other names: c.533G>T, p.Trp178Leu (NM_014080.5); short protein forms W178L.
Identifiers: ClinVar variation 316184 (VCV000316184.31), dbSNP rs190660925, ClinGen allele CA7538910.

ClinVar aggregate classification (germline): Uncertain significance. Review status: criteria provided, multiple submitters, no conflicts (2 of 4 stars). 6 submissions from 6 submitters: Uncertain significance (6). Last evaluated 2026-03-10.

Conditions:
Thyroid dyshormonogenesis 6 (TDH6). Also called: HYPOTHYROIDISM, CONGENITAL, DUE TO DYSHORMONOGENESIS, 6; Genetic transient congenital hypothyroidism; THYROID HORMONOGENESIS, GENETIC DEFECT IN, 6. Identifiers: Orphanet 226316, Orphanet 95716, MedGen C1846632, MONDO:0011792, OMIM 607200.

Allele frequency attached by ClinVar (database versions not stated): gnomAD 0.00013; TOPMed 0.00015; 1000 Genomes Project 30x 0.00016; 1000 Genomes Project 0.00020; gnomAD exomes 0.00032; ExAC 0.00069.
gnomAD v4.1: 319 of 1,546,814 alleles (0.021%); highest among the groups gnomAD compares: Admixed American, 0.027%; no homozygotes.

Submissions (6):

Women's Health and Genetics/Laboratory Corporation of America, LabCorp
Classification: Uncertain significance. Last evaluated: 2026-03-10. Review status: criteria provided, single submitter. Criteria: LabCorp Variant Classification Summary - May 2015. Collection method: clinical testing. Allele origin: germline.
Comment: Variant summary: DUOX2 c.533G>T (p.Trp178Leu) results in a non-conservative amino acid change in the encoded protein sequence. Algorithms developed to predict the effect of missense changes on protein structure and function are either unavailable or do not agree on the potential impact of this missense change. The variant allele was found at a frequency of 0.00032 in 141452 control chromosomes (gnomAD). This frequency is not significantly higher than estimated for disease-causing variants in DUOX2, allowing no conclusion about variant significance. c.533G>T has been observed in one individual affected with congenital hypothyroidism (Kurnaz_2026). These data do not allow any conclusion about variant significance. A different variant affecting the same codon has been classified as likely pathogenic by our lab (c.534G>T, p.Trp178Cys), supporting the critical relevance of codon 178 to DUOX2 protein function. To our knowledge, no experimental evidence demonstrating an impact on protein function has been reported. The following publications have been ascertained in the context of this evaluation (PMID: 33651715, 39378853). ClinVar contains an entry for this variant (Variation ID: 316184). Based on the evidence outlined above, the variant was classified as VUS-possibly pathogenic.

CeGaT Center for Human Genetics Tuebingen
Classification: Uncertain significance. Last evaluated: 2024-01-01. Review status: criteria provided, single submitter. Criteria: CeGaT Center For Human Genetics Tuebingen Variant Classification Criteria Version 2. Collection method: clinical testing. Allele origin: germline. Affected: yes. Observed: 1 variant allele.
Comment: DUOX2: PM5

Fulgent Genetics
Classification: Uncertain significance for Thyroid dyshormonogenesis 6. Last evaluated: 2021-07-30. Review status: criteria provided, single submitter. Criteria: ACMG Guidelines, 2015. Collection method: clinical testing. Allele origin: unknown.

Illumina Laboratory Services, Illumina
Classification: Uncertain significance for Thyroid dyshormonogenesis 6. Last evaluated: 2018-01-13. Review status: criteria provided, single submitter. Criteria: ICSL Variant Classification Criteria 13 December 2019. Collection method: clinical testing. Allele origin: germline.

GeneDx
Classification: Uncertain significance. Last evaluated: 2017-05-11. Review status: criteria provided, single submitter. Criteria: GeneDx Variant Classification (06012015). Collection method: clinical testing. Allele origin: germline. Affected: yes.
Comment: The W178L variant in the DUOX2 gene has not been reported previously as a pathogenic variant, nor as a benign variant, to our knowledge. A variant at the same codon, W178C, has been reported in trans along with a splice site variant in an individual with transient congenital hypothyroidism. Parents were heterozygous carriers with normal thyroid function (Tan et al., 2016). The W178L variant is observed in 9/4,440 (0.2%) alleles from individuals of European (Non-Finnish) background in the ExAC dataset, and no individuals were reported to be homozygous (Lek et al., 2016). The W178L variant is a semi-conservative amino acid substitution, which may impact secondary protein structure as these residues differ in some properties. This substitution occurs at a position that is conserved across species, and in silico analysis predicts this variant is probably damaging to the protein structure/function. We interpret W178L as a variant of uncertain significance.

Breakthrough Genomics
Classification: Uncertain significance. Review status: criteria provided, single submitter. Criteria: ACMG Guidelines, 2015. Collection method: not provided. Allele origin: germline. Inheritance: Autosomal recessive inheritance. Affected: yes.

Literature cited by the submitters: PubMed 33651715 (cited by Women's Health and Genetics/Laboratory Corporation of America, LabCorp); PubMed 39378853 (cited by Women's Health and Genetics/Laboratory Corporation of America, LabCorp).